The following is an entry in ClinVar:

NM_000213.5(ITGB4):c.4441G>A (p.Val1481Met)

Genes: GALK1 (galactokinase 1; minus strand), ITGB4 (integrin subunit beta 4; plus strand). Cytogenetic location: 17q25.1.
Variant type: single nucleotide variant.
Coding change: c.4441G>A on transcript NM_000213.5 (MANE Select); coding-DNA position 4441, G replaced by A.
Protein change: p.Val1481Met; replaces valine 1481 with methionine.
Molecular consequence: missense variant. On other transcripts: intron variant (1).
Genome position (GRCh38, 1-based): chr17:75,754,698, G>A. VCF-style: chr17-75754698-G-A. GRCh37 (hg19) VCF-style: chr17-73750779-G-A.
Other names: c.4231G>A, p.Val1411Met (NM_001005619.2, NM_001005731.3, NM_001321123.2 and 1 more transcripts); c.*23-2961C>T (NM_001381985.1); short protein forms V1481M, V1411M.
Identifiers: ClinVar variation 325192 (VCV000325192.9), dbSNP rs546010811, ClinGen allele CA8770114.
Genomic context (GRCh38, chr17:75,754,698, plus strand): 5'-ATGACCACGACCAGTGCTGCTGCCTATGGCACCCACCTGAGCCCACACGTGCCCCACCGC[G>A]TGCTAAGCACATCCTCCACCCTCACACGGGACTACAACTCACTGACCCGCTCAGAACACT-3'
Protein context (NP_000204.3, residues 1471-1491): THLSPHVPHR[Val1481Met]LSTSSTLTRD

ClinVar aggregate classification (germline): Likely benign. Review status: criteria provided, multiple submitters, no conflicts (2 of 4 stars). 3 submissions from 3 submitters: Likely benign (3). Last evaluated 2026-03-20.

Conditions:
Junctional epidermolysis bullosa with pyloric atresia. Also called: EPIDERMOLYSIS BULLOSA, JUNCTIONAL 5B, WITH PYLORIC ATRESIA; Junctional Epidermolysis Bullosa- Pyloric Atresia Syndrome; APLASIA CUTIS CONGENITA WITH GASTROINTESTINAL ATRESIA; CARMI SYNDROME; EB-PA-ACC; ITGB4-Related Epidermolysis Bullosa with Pyloric Atresia. Identifiers: Orphanet 79403, MedGen C5676875, MONDO:0009183, OMIM 226730.
ITGB4-related disorder. Also called: ITGB4-related condition.

Allele frequency attached by ClinVar (database versions not stated): gnomAD 0.00014 and below 0.00001; gnomAD exomes 0.00026 and 0.00050; 1000 Genomes Project 0.00040; ExAC 0.00048; TOPMed 0.00002; 1000 Genomes Project 30x 0.00031.
gnomAD v4.1: 404 of 1,614,124 alleles (0.025%); highest among the groups gnomAD compares: South Asian, 0.41%; 4 homozygotes.

Submissions (3):

PreventionGenetics, part of Exact Sciences
Classification: Likely benign for ITGB4-related condition. Last evaluated: 2026-03-20. Review status: criteria provided, single submitter. Criteria: ACMG Guidelines, 2015. Collection method: clinical testing. Allele origin: germline.
Comment: This variant is classified as likely benign based on ACMG/AMP sequence variant interpretation guidelines (Richards et al. 2015 PMID: 25741868, with internal and published modifications).

Labcorp Genetics (formerly Invitae), Labcorp
Classification: Likely benign. Last evaluated: 2025-11-25. Review status: criteria provided, single submitter. Criteria: Invitae Variant Classification Sherloc (09022015). Collection method: clinical testing. Allele origin: germline.

Illumina Laboratory Services, Illumina
Classification: Likely benign for Junctional epidermolysis bullosa with pyloric atresia. Last evaluated: 2018-01-12. Review status: criteria provided, single submitter. Criteria: ICSL Variant Classification Criteria 13 December 2019. Collection method: clinical testing. Allele origin: germline.
Comment: This variant was observed in the ICSL laboratory as part of a predisposition screen in an ostensibly healthy population. It had not been previously curated by ICSL or reported in the Human Gene Mutation Database (HGMD: prior to June 1st, 2018), and was therefore a candidate for classification through an automated scoring system. Utilizing variant allele frequency, disease prevalence and penetrance estimates, and inheritance mode, an automated score was calculated to assess if this variant is too frequent to cause the disease. Based on the score and internal cut-off values, a variant classified as likely benign is not then subjected to further curation. The score for this variant resulted in a classification of likely benign for this disease.